The following is an entry in ClinVar:

NM_006922.4(SCN3A):c.602C>T (p.Ala201Val)

Gene: SCN3A (sodium voltage-gated channel alpha subunit 3; minus strand). Cytogenetic location: 2q24.3.
Variant type: single nucleotide variant.
Coding change: c.602C>T on transcript NM_006922.4 (MANE Select); coding-DNA position 602, C replaced by T.
Protein change: p.Ala201Val; replaces alanine 201 with valine.
Molecular consequence: missense variant.
Genome position (GRCh38, 1-based): chr2:165,164,392, G>A on the plus strand (C>T on the coding strand, the complement: SCN3A is on the minus strand). VCF-style: chr2-165164392-G-A. GRCh37 (hg19) VCF-style: chr2-166020902-G-A.
Other names: c.602C>T, p.Ala201Val (NM_001081676.2, NM_001081677.2); short protein forms A201V.
Identifiers: ClinVar variation 1357656 (VCV001357656.8), dbSNP rs2105895043, ClinGen allele CA349239870.

ClinVar aggregate classification (germline): Uncertain significance (1 of 4 stars; one submission).

Allele frequency attached by ClinVar (database versions not stated): gnomAD exomes below 0.00001.

Submission:

Labcorp Genetics (formerly Invitae), Labcorp
Classification: Uncertain significance. Last evaluated: 2021-07-22. Review status: criteria provided, single submitter. Criteria: Invitae Variant Classification Sherloc (09022015). Collection method: clinical testing. Allele origin: germline.
Comment: In summary, the available evidence is currently insufficient to determine the role of this variant in disease. Therefore, it has been classified as a Variant of Uncertain Significance. Algorithms developed to predict the effect of sequence changes on RNA splicing suggest that this variant may create or strengthen a splice site. Algorithms developed to predict the effect of missense changes on protein structure and function are either unavailable or do not agree on the potential impact of this missense change (SIFT: "Deleterious"; PolyPhen-2: "Benign"; Align-GVGD: "Class C55"). This variant has not been reported in the literature in individuals affected with SCN3A-related conditions. This variant is not present in population databases (ExAC no frequency). This sequence change replaces alanine with valine at codon 201 of the SCN3A protein (p.Ala201Val). The alanine residue is highly conserved and there is a small physicochemical difference between alanine and valine.